The following is an entry in ClinVar:

ClinVar aggregate classification (germline): Pathogenic. Review status: reviewed by expert panel (3 of 4 stars). 11 submissions from 11 submitters: Pathogenic (1). 10 of the submissions do not count toward it. Last evaluated 2016-04-22.

Conditions:
Breast and/or ovarian cancer. Identifiers: MedGen CN221562.
Hereditary breast ovarian cancer syndrome. Also called: Hereditary breast and ovarian cancer syndrome; Hereditary breast and ovarian cancer; Hereditary breast and ovarian cancer syndrome (HBOC); Breast and ovarian cancer; Hereditary breast and/or ovarian cancer syndrome; BRCA1- and BRCA2-Associated Hereditary Breast and Ovarian Cancer. Identifiers: Orphanet 145, MedGen C0677776, MeSH D061325, MONDO:0003582. Disease mechanism: loss of function.
Hereditary cancer-predisposing syndrome. Also called: Neoplastic Syndromes, Hereditary; Tumor predisposition; Hereditary neoplastic syndrome; Hereditary Cancer Syndrome. Identifiers: Orphanet 140162, MedGen C0027672, MeSH D009386, MONDO:0015356.
Breast-ovarian cancer, familial, susceptibility to, 2 (BROVCA2). Also called: BRCA2 Hereditary Breast and Ovarian Cancer. Identifiers: Orphanet 145, MedGen C2675520, MONDO:0012933, OMIM 612555. Disease mechanism: loss of function.

Submissions (11):

Evidence-based Network for the Interpretation of Germline Mutant Alleles (ENIGMA)
Classification: Pathogenic for Breast-ovarian cancer, familial, susceptibility to, 2. Last evaluated: 2016-04-22. Review status: reviewed by expert panel. Criteria: ENIGMA BRCA1/2 Classification Criteria (2015). Collection method: curation. Allele origin: germline.
Comment: Variant allele predicted to encode a truncated non-functional protein.

Ambry Genetics
Classification: Pathogenic for Hereditary cancer-predisposing syndrome. Last evaluated: 2025-10-31. Review status: criteria provided, single submitter. Criteria: Ambry Variant Classification Scheme 2023. Collection method: clinical testing. Allele origin: germline. Not counted in ClinVar's aggregate classification.
Comment: The c.5641_5644delAAAT pathogenic mutation, located in coding exon 10 of the BRCA2 gene, results from a deletion of 4 nucleotides at nucleotide positions 5641 to 5644, causing a translational frameshift with a predicted alternate stop codon (p.K1881Qfs*27). Note, this variant is also referred to as 5869delAAAT in the literature. This variant is considered to be rare based on population cohorts in the Genome Aggregation Database (gnomAD). This alteration is expected to result in loss of function by premature protein truncation or nonsense-mediated mRNA decay. As such, this alteration is interpreted as a disease-causing mutation.

Labcorp Genetics (formerly Invitae), Labcorp
Classification: Pathogenic for Hereditary breast ovarian cancer syndrome. Last evaluated: 2025-08-07. Review status: criteria provided, single submitter. Criteria: Invitae Variant Classification Sherloc (09022015). Collection method: clinical testing. Allele origin: germline. Not counted in ClinVar's aggregate classification.
Comment: This sequence change creates a premature translational stop signal (p.Lys1881Glnfs*27) in the BRCA2 gene. It is expected to result in an absent or disrupted protein product. Loss-of-function variants in BRCA2 are known to be pathogenic (PMID: 20104584). This variant is not present in population databases (gnomAD no frequency). This premature translational stop signal has been observed in individual(s) with a personal or family history of breast and/or ovarian cancer (PMID: 12181777, 18489799, 23884708, 24549055, 25452441, 29907814). This variant is also known as c.5869_5872del4 and 5869delAAAT. ClinVar contains an entry for this variant (Variation ID: 51897). For these reasons, this variant has been classified as Pathogenic.

Quest Diagnostics Nichols Institute San Juan Capistrano
Classification: Pathogenic. Last evaluated: 2025-07-08. Review status: criteria provided, single submitter. Criteria: Quest Diagnostics criteria. Collection method: clinical testing. Allele origin: unknown. Not counted in ClinVar's aggregate classification.
Comment: The BRCA2 c.5641_5644del (p.Lys1881Glnfs*27) variant alters the translational reading frame of the BRCA2 mRNA and causes the premature termination of BRCA2 protein synthesis. This variant has been reported in the published literature in individuals with breast cancer (PMID: 35534704 (2022), 25452441 (2015), 18489799 (2008)). This variant has not been reported in large, multi-ethnic general populations (Genome Aggregation Database). Based on the available information, this variant is classified as pathogenic.

GeneDx
Classification: Pathogenic. Last evaluated: 2021-08-25. Review status: criteria provided, single submitter. Criteria: GeneDx Variant Classification Process June 2021. Collection method: clinical testing. Allele origin: germline. Affected: yes. Not counted in ClinVar's aggregate classification.
Comment: Frameshift variant predicted to result in protein truncation or nonsense mediated decay in a gene for which loss-of-function is a known mechanism of disease; Truncating variants in this gene are considered pathogenic by a well-established clinical consortium and/or database; Observed in individuals with a personal or family history of breast and ovarian cancer (Machackova 2008, Tea 2014, Couch 2015, Marlin 2020); Not observed at significant frequency in large population cohorts (Lek 2016); Also known as 5869_5872del; This variant is associated with the following publications: (PMID: 25452441, 29907814, 32040869, 22762150, 24549055, 12181777, 23884708, 24156927, 18489799)

Color Diagnostics, LLC DBA Color Health
Classification: Pathogenic for Hereditary cancer-predisposing syndrome. Last evaluated: 2021-01-25. Review status: criteria provided, single submitter. Criteria: ACMG Guidelines, 2015. Collection method: clinical testing. Allele origin: germline. Not counted in ClinVar's aggregate classification.
Comment: This variant deletes 4 nucleotides in exon 11 of the BRCA2 gene, creating a frameshift and premature translation stop signal. This variant is expected to result in an absent or non-functional protein product. To our knowledge, functional studies have not been reported for this variant. This variant has been reported in individuals affected with breast/ovarian cancer (PMID: 12181777, 23884708, 24156927, 24549055, 25452441). This variant has not been identified in the general population by the Genome Aggregation Database (gnomAD). Loss of BRCA2 function is a known mechanism of disease. Based on the available evidence, this variant is classified as Pathogenic.

Women's Health and Genetics/Laboratory Corporation of America, LabCorp
Classification: Pathogenic for Hereditary breast and ovarian cancer syndrome. Last evaluated: 2019-10-17. Review status: criteria provided, single submitter. Criteria: LabCorp Variant Classification Summary - May 2015. Collection method: clinical testing. Allele origin: germline. Not counted in ClinVar's aggregate classification.
Comment: Variant summary: BRCA2 c.5641_5644delAAAT (p.Lys1881GlnfsX27) results in a premature termination codon, predicted to cause a truncation of the encoded protein or absence of the protein due to nonsense mediated decay, which are commonly known mechanisms for disease. Truncations downstream of this position have been classified as pathogenic by our laboratory. The variant was absent in 249328 control chromosomes. c.5641_5644delAAAT has been reported in the literature in multiple individuals affected with Hereditary Breast and Ovarian Cancer. These data indicate that the variant is very likely to be associated with disease. Five clinical diagnostic laboratories have submitted clinical-significance assessments for this variant to ClinVar after 2014 without evidence for independent evaluation. All laboratories classified the variant as pathogenic. Based on the evidence outlined above, the variant was classified as pathogenic.

Consortium of Investigators of Modifiers of BRCA1/2 (CIMBA), c/o University of Cambridge
Classification: Pathogenic for Breast-ovarian cancer, familial, susceptibility to, 2. Last evaluated: 2015-10-02. Review status: criteria provided, single submitter. Criteria: CIMBA Mutation Classification guidelines May 2016. Collection method: clinical testing. Allele origin: germline. Not counted in ClinVar's aggregate classification.

BRCAlab, Lund University
Classification: Pathogenic for Breast-ovarian cancer, familial, susceptibility to, 2. Last evaluated: 2020-03-02. Review status: no assertion criteria provided. Collection method: clinical testing. Allele origin: germline. Affected: yes. Not counted in ClinVar's aggregate classification.

CZECANCA consortium
Classification: Pathogenic for Breast and/or ovarian cancer. Last evaluated: 2019-06-11. Review status: no assertion criteria provided. Collection method: clinical testing. Allele origin: germline. Affected: yes. Observed: 2 variant alleles. Not counted in ClinVar's aggregate classification.

Breast Cancer Information Core (BIC) (BRCA2)
Classification: Pathogenic for Breast-ovarian cancer, familial 2. Last evaluated: 2010-12-17. Review status: no assertion criteria provided. Collection method: clinical testing. Allele origin: germline. Affected: yes. Observed: 2 variant alleles. Not counted in ClinVar's aggregate classification.

Literature cited by the submitters: PubMed 12181777 (cited by 3 submitters); PubMed 18489799 (cited by 4 submitters); PubMed 25452441 (cited by 3 submitters); PubMed 20104584 (cited by Labcorp Genetics (formerly Invitae), Labcorp); PubMed 23884708 (cited by Labcorp Genetics (formerly Invitae), Labcorp and Women's Health and Genetics/Laboratory Corporation of America, LabCorp); PubMed 24549055 (cited by Labcorp Genetics (formerly Invitae), Labcorp and Women's Health and Genetics/Laboratory Corporation of America, LabCorp); PubMed 29907814 (cited by Labcorp Genetics (formerly Invitae), Labcorp); PubMed 35534704 (cited by Quest Diagnostics Nichols Institute San Juan Capistrano); PubMed 24156927 (cited by Women's Health and Genetics/Laboratory Corporation of America, LabCorp); PubMed 22762150 (cited by Women's Health and Genetics/Laboratory Corporation of America, LabCorp); PubMed 32295079 (cited by CZECANCA consortium).

NM_000059.4(BRCA2):c.5641_5644del (p.Lys1881fs)

Gene: BRCA2 (BRCA2 DNA repair associated; plus strand). Cytogenetic location: 13q13.1.
Variant type: Deletion.
Coding change: c.5641_5644del on transcript NM_000059.4 (MANE Select); coding-DNA positions 5641 to 5644, 4 bases deleted (AAAT; older notation c.5641_5644delAAAT).
Protein change: p.Lys1881fs; shifts the reading frame from lysine 1881.
Molecular consequence: frameshift variant.
Genome position (GRCh38, 1-based): chr13:32,339,996-32,339,999, AAAT deleted; deleting any 4 consecutive bases within chr13:32,339,993-32,339,999 gives the same sequence; the c. name uses the placement nearest the transcript's 3' end. VCF-style (leftmost placement, unchanged base first): chr13-32339992-GAATA-G. GRCh37 (hg19) VCF-style: chr13-32914129-GAATA-G.
Other names: 5869del4; 5869delAAAT; 5869_5872delAAAT; c.5641_5644delAAAT (NM_000059.3); c.5638_5641del (NM_000059.3).
Identifiers: ClinVar variation 51897 (VCV000051897.26), dbSNP rs276174860, ClinGen allele CA022798.